The following is an entry in ClinVar:

NM_001170629.2(CHD8):c.836C>T (p.Pro279Leu)

Gene: CHD8 (chromodomain helicase DNA binding protein 8; minus strand). Cytogenetic location: 14q11.2.
Variant type: single nucleotide variant.
Coding change: c.836C>T on transcript NM_001170629.2 (MANE Select); coding-DNA position 836, C replaced by T.
Protein change: p.Pro279Leu; replaces proline 279 with leucine.
Molecular consequence: missense variant. On other transcripts: intron variant (1).
Genome position (GRCh38, 1-based): chr14:21,430,808, G>A on the plus strand (C>T on the coding strand, the complement: CHD8 is on the minus strand). VCF-style: chr14-21430808-G-A. GRCh37 (hg19) VCF-style: chr14-21898967-G-A.
Other names: c.6+1003C>T (NM_020920.4); short protein forms P279L.
Identifiers: ClinVar variation 2887741 (VCV002887741.3), dbSNP rs1403487174, ClinGen allele CA388885970.

ClinVar aggregate classification (germline): Uncertain significance (1 of 4 stars; one submission).

Allele frequency attached by ClinVar (database versions not stated): TOPMed 0.00001.

Submission:

Labcorp Genetics (formerly Invitae), Labcorp
Classification: Uncertain significance. Last evaluated: 2023-06-06. Review status: criteria provided, single submitter. Criteria: Invitae Variant Classification Sherloc (09022015). Collection method: clinical testing. Allele origin: germline.
Comment: In summary, the available evidence is currently insufficient to determine the role of this variant in disease. Therefore, it has been classified as a Variant of Uncertain Significance. An algorithm developed to predict the effect of missense changes on protein structure and function (PolyPhen-2) suggests that this variant is likely to be disruptive. This variant has not been reported in the literature in individuals affected with CHD8-related conditions. This variant is not present in population databases (gnomAD no frequency). This sequence change replaces proline, which is neutral and non-polar, with leucine, which is neutral and non-polar, at codon 279 of the CHD8 protein (p.Pro279Leu).